The following is an entry in ClinVar:

NM_000287.4(PEX6):c.1011T>C (p.Tyr337=)

Gene: PEX6 (peroxisomal biogenesis factor 6; minus strand). Cytogenetic location: 6p21.1.
Variant type: single nucleotide variant.
Coding change: c.1011T>C on transcript NM_000287.4 (MANE Select); coding-DNA position 1011, T replaced by C.
Protein change: p.Tyr337=; no amino-acid change (tyrosine 337 retained).
Molecular consequence: synonymous variant. On other transcripts: non-coding transcript variant (1).
Genome position (GRCh38, 1-based): chr6:42,974,910, A>G on the plus strand (T>C on the coding strand, the complement: PEX6 is on the minus strand). VCF-style: chr6-42974910-A-G. GRCh37 (hg19) VCF-style: chr6-42942648-A-G.
Other names: c.747T>C, p.Tyr249= (NM_001316313.2).
Identifiers: ClinVar variation 3009009 (VCV003009009.4), dbSNP rs1399916010, ClinGen allele CA450254588.

ClinVar aggregate classification (germline): Likely benign. Review status: criteria provided, multiple submitters, no conflicts (2 of 4 stars). 2 submissions from 2 submitters: Likely benign (2). Last evaluated 2026-07-01.

Conditions:
Peroxisome biogenesis disorder. Identifiers: Orphanet 79189, MedGen C1832200, MONDO:0019234. Disease mechanism: loss of function.

Allele frequency attached by ClinVar (database versions not stated): gnomAD exomes below 0.00001.

Submissions (2):

CeGaT Center for Human Genetics Tuebingen
Classification: Likely benign. Last evaluated: 2026-07-01. Review status: criteria provided, single submitter. Criteria: CeGaT Center For Human Genetics Tuebingen Variant Classification Criteria Version 2. Collection method: clinical testing. Allele origin: germline. Affected: yes. Observed: 1 variant allele.
Comment: PEX6: BP4, BP7

Labcorp Genetics (formerly Invitae), Labcorp
Classification: Likely benign for Peroxisome biogenesis disorder. Last evaluated: 2023-09-04. Review status: criteria provided, single submitter. Criteria: Invitae Variant Classification Sherloc (09022015). Collection method: clinical testing. Allele origin: germline.